The following is an entry in ClinVar:

NM_001195.5(BFSP1):c.438+7G>A

Gene: BFSP1 (beaded filament structural protein 1; minus strand). Cytogenetic location: 20p12.1.
Variant type: single nucleotide variant.
Coding change: c.438+7G>A on transcript NM_001195.5 (MANE Select); 7 bases into the intron after coding-DNA position 438, G replaced by A.
Molecular consequence: intron variant.
Genome position (GRCh38, 1-based): chr20:17,524,841, C>T on the plus strand (G>A on the coding strand, the complement: BFSP1 is on the minus strand). VCF-style: chr20-17524841-C-T. GRCh37 (hg19) VCF-style: chr20-17505486-C-T.
Other names: c.438+7G>A (NM_001195.4, NM_001424338.1); c.21+7G>A (NM_001278608.2, NM_001278606.2); c.105+7G>A (NM_001278607.2); c.63+7G>A (NM_001161705.2).
Identifiers: ClinVar variation 3616995 (VCV003616995.3).
Genomic context (GRCh38, chr20:17,524,841, plus strand): 5'-TGCACTTCCACCATTCCATTCAACACTGTAATTAAGCTACGTAAACCCAAGGATGTGTTC[C>T]GCTCACCTTGTTAAGCCGTTCAAGCATTTCTTTTAGCAGGAGTTGACATTCGCACTCATT-3'

ClinVar aggregate classification (germline): Likely benign. Review status: criteria provided, multiple submitters, no conflicts (2 of 4 stars). 2 submissions from 2 submitters: Likely benign (2). Last evaluated 2025-09-16.

Conditions:
Cataract 33. Also called: CATARACT 33, CORTICAL. Identifiers: Orphanet 91492, MedGen C3808107, MONDO:0012665, OMIM 611391.
BFSP1-related disorder. Also called: BFSP1-related condition.

gnomAD v4.1: 171 of 1,613,588 alleles (0.011%); highest among the groups gnomAD compares: African/African-American, 0.19%; no homozygotes.

Submissions (2):

Labcorp Genetics (formerly Invitae), Labcorp
Classification: Likely benign for Cataract 33. Last evaluated: 2025-09-16. Review status: criteria provided, single submitter. Criteria: Invitae Variant Classification Sherloc (09022015). Collection method: clinical testing. Allele origin: germline.

PreventionGenetics, part of Exact Sciences
Classification: Likely benign for BFSP1-related condition. Last evaluated: 2025-02-25. Review status: criteria provided, single submitter. Criteria: ACMG Guidelines, 2015. Collection method: clinical testing. Allele origin: germline.
Comment: This variant is classified as likely benign based on ACMG/AMP sequence variant interpretation guidelines (Richards et al. 2015 PMID: 25741868, with internal and published modifications).